The following is an entry in ClinVar:

NM_152372.4(MYOM3):c.4134T>C (p.Leu1378=)

Gene: MYOM3 (myomesin 3; minus strand). Cytogenetic location: 1p36.11.
Variant type: single nucleotide variant.
Coding change: c.4134T>C on transcript NM_152372.4 (MANE Select); coding-DNA position 4134, T replaced by C.
Protein change: p.Leu1378=; no amino-acid change (leucine 1378 retained).
Molecular consequence: synonymous variant.
Genome position (GRCh38, 1-based): chr1:24,057,544, A>G on the plus strand (T>C on the coding strand, the complement: MYOM3 is on the minus strand). VCF-style: chr1-24057544-A-G. GRCh37 (hg19) VCF-style: chr1-24384034-A-G.
Identifiers: ClinVar variation 2638486 (VCV002638486.24), dbSNP rs1339263607, ClinGen allele CA416955978.

ClinVar aggregate classification (germline): Likely benign (1 of 4 stars; one submission).

Allele frequency attached by ClinVar (database versions not stated): gnomAD exomes below 0.00001; TOPMed 0.00001.

Submission:

CeGaT Center for Human Genetics Tuebingen
Classification: Likely benign. Last evaluated: 2022-10-01. Review status: criteria provided, single submitter. Criteria: CeGaT Center For Human Genetics Tuebingen Variant Classification Criteria Version 2. Collection method: clinical testing. Allele origin: germline. Affected: yes. Observed: 1 variant allele.
Comment: MYOM3: BP4, BP7